The following is an entry in ClinVar:

NM_001370100.5(ZMYND11):c.824A>T (p.Tyr275Phe)

Gene: ZMYND11 (zinc finger MYND-type containing 11; plus strand). Cytogenetic location: 10p15.3.
Variant type: single nucleotide variant.
Coding change: c.824A>T on transcript NM_001370100.5 (MANE Select); coding-DNA position 824, A replaced by T.
Protein change: p.Tyr275Phe; replaces tyrosine 275 with phenylalanine.
Molecular consequence: missense variant. On other transcripts: non-coding transcript variant (1), intron variant (1).
Genome position (GRCh38, 1-based): chr10:240,963, A>T. VCF-style: chr10-240963-A-T. GRCh37 (hg19) VCF-style: chr10-286903-A-T.
Other names: c.824A>T, p.Tyr275Phe (NM_001161482.1, NM_001202468.1, NM_001370097.3 and 6 more transcripts); c.662A>T, p.Tyr221Phe (NM_001202464.3, NM_001202467.1, NM_001370103.2 and 6 more transcripts); c.569A>T, p.Tyr190Phe (NM_001202465.3, NM_001370110.2); c.659A>T, p.Tyr220Phe (NM_001202466.3, NM_001370111.2); c.773A>T, p.Tyr258Phe (NM_001330057.3, NM_001370112.2); c.731A>T, p.Tyr244Phe (NM_001370113.2, NM_001370114.2); c.821A>T, p.Tyr274Phe (NM_001370115.2, NM_212479.4); c.758A>T, p.Tyr253Phe (NM_001370116.2); and 7 more; short protein forms Y181F, Y220F, Y221F, Y274F, Y118F, Y156F, Y173F, Y199F.
Identifiers: ClinVar variation 2556744 (VCV002556744.6), dbSNP rs1056532914, ClinGen allele CA201290609.

ClinVar aggregate classification (germline): Conflicting classifications of pathogenicity. Review status: criteria provided, conflicting classifications (1 of 4 stars). 3 submissions from 3 submitters: Uncertain significance (1); Likely benign (2). Last evaluated 2025-08-12.

Conditions:
Inborn genetic diseases. Identifiers: MedGen C0950123, MeSH D030342.

Allele frequency attached by ClinVar (database versions not stated): gnomAD exomes 0.00003; TOPMed 0.00004; gnomAD 0.00006.
gnomAD v4.1: 57 of 1,613,204 alleles (0.0035%); highest among the groups gnomAD compares: Non-Finnish European, 0.0043%; no homozygotes.

Submissions (3):

Labcorp Genetics (formerly Invitae), Labcorp
Classification: Uncertain significance. Last evaluated: 2025-08-12. Review status: criteria provided, single submitter. Criteria: Invitae Variant Classification Sherloc (09022015). Collection method: clinical testing. Allele origin: germline.
Comment: This sequence change replaces tyrosine, which is neutral and polar, with phenylalanine, which is neutral and non-polar, at codon 275 of the ZMYND11 protein (p.Tyr275Phe). This variant is present in population databases (no rsID available, gnomAD 0.004%). This variant has not been reported in the literature in individuals affected with ZMYND11-related conditions. ClinVar contains an entry for this variant (Variation ID: 2556744). Invitae Evidence Modeling of protein sequence and biophysical properties (such as structural, functional, and spatial information, amino acid conservation, physicochemical variation, residue mobility, and thermodynamic stability) has been performed for this missense variant. However, the output from this modeling did not meet the statistical confidence thresholds required to predict the impact of this variant on ZMYND11 protein function. In summary, the available evidence is currently insufficient to determine the role of this variant in disease. Therefore, it has been classified as a Variant of Uncertain Significance.

Ambry Genetics
Classification: Likely benign for Inborn genetic diseases. Last evaluated: 2023-06-05. Review status: criteria provided, single submitter. Criteria: Ambry Variant Classification Scheme 2023. Collection method: clinical testing. Allele origin: germline.

Blueprint Genetics
Classification: Likely benign. Last evaluated: 2021-03-12. Review status: criteria provided, single submitter. Criteria: ACMG Guidelines, 2015. Collection method: clinical testing. Allele origin: germline.